The following is an entry in ClinVar:

NM_001042492.3(NF1):c.7348C>T (p.Arg2450Ter)

Gene: NF1 (neurofibromin 1; plus strand). Cytogenetic location: 17q11.2.
Variant type: single nucleotide variant.
Coding change: c.7348C>T on transcript NM_001042492.3 (MANE Select); coding-DNA position 7348, C replaced by T.
Protein change: p.Arg2450Ter; replaces arginine 2450 with a stop codon.
Molecular consequence: nonsense.
Genome position (GRCh38, 1-based): chr17:31,350,209, C>T. VCF-style: chr17-31350209-C-T. GRCh37 (hg19) VCF-style: chr17-29677227-C-T.
Other names: c.7285C>T, p.Arg2429Ter (NM_000267.4); short protein forms R2429*, R2450*.
Identifiers: ClinVar variation 185789 (VCV000185789.47), dbSNP rs786202457, ClinGen allele CA192953.

ClinVar aggregate classification (germline): Pathogenic. Review status: criteria provided, multiple submitters, no conflicts (2 of 4 stars). 24 submissions from 24 submitters: Pathogenic (23). 1 of the submissions does not count toward it. Last evaluated 2026-04-20.

Conditions:
NF1-related disorder. Also called: NF1-related condition. Identifiers: MedGen CN379171.
Hereditary cancer-predisposing syndrome. Also called: Tumor predisposition; Neoplastic Syndromes, Hereditary; Hereditary neoplastic syndrome; Hereditary Cancer Syndrome. Identifiers: Orphanet 140162, MedGen C0027672, MeSH D009386, MONDO:0015356.
Malignant tumor of urinary bladder. Also called: Bladder cancer; Urinary bladder cancer; Urinary Bladder Neoplasms. Identifiers: MedGen C0005684, MONDO:0001187, OMIM 109800.
Juvenile myelomonocytic leukemia (JMML). Also called: LEUKEMIA, JUVENILE MYELOMONOCYTIC, SOMATIC. Identifiers: Orphanet 86834, MedGen C0349639, MONDO:0011908, OMIM 607785, HP:0012209.
Neurofibromatosis, type 1 (NF1). Also called: NEUROFIBROMATOSIS, TYPE I, SOMATIC; Peripheral type neurofibromatosis; VON RECKLINGHAUSEN DISEASE; Neurofibromatosis, type I. Identifiers: Orphanet 636, MedGen C0027831, MONDO:0018975, OMIM 162200. Disease mechanism: loss of function.
Subcutaneous neurofibroma. Also called: Subcutaneous neurofibromas. Identifiers: MedGen C1827970, HP:0100698.
Lisch nodules. Identifiers: MedGen C1860334, HP:0009737.

Allele frequency attached by ClinVar (database versions not stated): gnomAD exomes below 0.00001.
gnomAD v4.1: 1 of 1,613,896 alleles (0.000062%); highest among the groups gnomAD compares: Non-Finnish European, 0.000085%; no homozygotes.

Submissions 1 to 16 of 24:

Myriad Genetics, Inc.
Classification: Pathogenic for Neurofibromatosis, type 1. Last evaluated: 2026-04-20. Review status: criteria provided, single submitter. Criteria: Myriad Autosomal Dominant, Autosomal Recessive and X-Linked Classification Criteria (2023). Collection method: clinical testing. Allele origin: unknown.
Comment: This variant is considered pathogenic. This variant creates a termination codon and is predicted to result in premature protein truncation.

NHS Central & South Genomic Laboratory Hub
Classification: Pathogenic for Neurofibromatosis type 1. Last evaluated: 2026-02-26. Review status: criteria provided, single submitter. Criteria: ACMG Guidelines, 2015. Collection method: clinical testing. Allele origin: germline. Affected: yes.

Women's Health and Genetics/Laboratory Corporation of America, LabCorp
Classification: Pathogenic for Neurofibromatosis, type 1. Last evaluated: 2026-01-19. Review status: criteria provided, single submitter. Criteria: LabCorp Variant Classification Summary - May 2015. Collection method: clinical testing. Allele origin: germline.
Comment: Variant summary: NF1 c.7285C>T (p.Arg2429X) results in a premature termination codon, predicted to cause a truncation of the encoded protein or absence of the protein due to nonsense mediated decay, which are commonly known mechanisms for disease. The variant was absent in 251362 control chromosomes. c.7285C>T has been observed in individual(s) affected with Neurofibromatosis Type 1 (e.g. Fahsold_2000). These data indicate that the variant is very likely associated with disease. To our knowledge, no experimental evidence demonstrating an impact on protein function has been reported. The following publications have been ascertained in the context of this evaluation (PMID: 10712197). ClinVar contains an entry for this variant (Variation ID: 185789). Based on the evidence outlined above, the variant was classified as pathogenic.

Clinical Genetics Laboratory, Skane University Hospital Lund
Classification: Pathogenic for Neurofibromatosis, type 1. Last evaluated: 2025-12-29. Review status: criteria provided, single submitter. Criteria: ACMG Guidelines, 2015. Collection method: clinical testing. Allele origin: germline. Affected: yes.
Comment: ACMG criteria used: PVS1, PS4, PM2.

Labcorp Genetics (formerly Invitae), Labcorp
Classification: Pathogenic for Neurofibromatosis, type 1. Last evaluated: 2025-12-24. Review status: criteria provided, single submitter. Criteria: Invitae Variant Classification Sherloc (09022015). Collection method: clinical testing. Allele origin: germline.
Comment: This sequence change creates a premature translational stop signal (p.Arg2429*) in the NF1 gene. It is expected to result in an absent or disrupted protein product. Loss-of-function variants in NF1 are known to be pathogenic (PMID: 10712197, 23913538). This variant is not present in population databases (gnomAD no frequency). This premature translational stop signal has been observed in individual(s) with neurofibromatosis type 1 (PMID: 10712197, 16835897, 16944272, 25074460). Invitae Evidence Modeling of clinical and family history, age, sex, and reported ancestry of multiple individuals with this NF1 variant has been performed. This variant is expected to be pathogenic with a positive predictive value of at least 99%. This is a validated machine learning model that incorporates the clinical features of 1,785,918 individuals referred to our laboratory for NF1 testing. ClinVar contains an entry for this variant (Variation ID: 185789). For these reasons, this variant has been classified as Pathogenic.

Genesolutions, Medical Genetics Institutes, Ho Chi Minh City, Vietnam
Classification: Pathogenic for Neurofibromatosis, type 1. Last evaluated: 2025-09-24. Review status: criteria provided, single submitter. Criteria: ACMG Guidelines, 2015. Collection method: clinical testing. Allele origin: germline. Affected: yes.

3billion
Classification: Pathogenic for Neurofibromatosis, type 1. Last evaluated: 2025-09-16. Review status: criteria provided, single submitter. Criteria: ACMG Guidelines, 2015. Collection method: clinical testing. Allele origin: germline. Affected: yes.
Comment: The variant is observed at an extremely low frequency in the gnomAD v4.1.0 dataset (total allele frequency: <0.001%). Predicted Consequence/Location: Stop-gained (nonsense): predicted to result in a loss or disruption of normal protein function through nonsense-mediated decay (NMD) or protein truncation. Multiple pathogenic variants are reported downstream of the variant. The variant has been reported at least twice as pathogenic with clinical assertions and evidence for the classification (ClinVar ID: VCV000185789 /PMID: 10712197). Therefore, this variant is classified as Pathogenic according to the recommendation of ACMG/AMP guideline.

Molecular Pathology, Peter Maccallum Cancer Centre
Classification: Pathogenic for Neurofibromatosis, type 1. Last evaluated: 2024-11-21. Review status: criteria provided, single submitter. Criteria: ACMG Guidelines, 2015. Collection method: clinical testing. Allele origin: germline. Inheritance: Autosomal dominant inheritance.

Blueprint Genetics
Classification: Pathogenic for NF1-related disorders. Last evaluated: 2024-09-06. Review status: criteria provided, single submitter. Criteria: ACMG Guidelines, 2015. Collection method: clinical testing. Allele origin: germline. Affected: yes. Observed: 3 variant alleles.

Baylor Genetics
Classification: Pathogenic for Juvenile myelomonocytic leukemia. Last evaluated: 2024-01-22. Review status: criteria provided, single submitter. Criteria: ACMG Guidelines, 2015. Collection method: clinical testing. Allele origin: unknown.

PreventionGenetics, part of Exact Sciences
Classification: Pathogenic for NF1-related condition. Last evaluated: 2023-03-13. Review status: criteria provided, single submitter. Criteria: ACMG Guidelines, 2015. Collection method: clinical testing. Allele origin: germline.
Comment: The NF1 c.7348C>T variant is predicted to result in premature protein termination (p.Arg2450*). This variant is alternatively referred to as c.7285C>T (p.Arg2429*) using the primary transcript NM_000267. This variant has been reported in multiple individuals with neurofibromatosis type I (Fahsold et al. 2000. PubMed ID: 10712197; Lee et al. 2006. PubMed ID: 16835897; Griffiths et al. 2007. PubMed ID: 16944272). At PreventionGenetics, we previously identified this variant in other affected patients. To our knowledge, this variant has not been reported in in a large population database, indicating this variant is rare. This variant is interpreted as pathogenic in ClinVar. Nonsense variants in NF1 are expected to be pathogenic. This variant is interpreted as pathogenic.

GeneDx
Classification: Pathogenic. Last evaluated: 2022-11-02. Review status: criteria provided, single submitter. Criteria: GeneDx Variant Classification Process June 2021. Collection method: clinical testing. Allele origin: germline. Affected: yes.
Comment: Nonsense variant predicted to result in protein truncation or nonsense mediated decay in a gene for which loss-of-function is a known mechanism of disease; Not observed at significant frequency in large population cohorts (gnomAD); This variant is associated with the following publications: (PMID: 16835897, 18484666, 16944272, 14722917, 34427956, 25525159, 22108604, 15060124, 16941471, 10336779, 22155606, 28422438, 10862084, 25074460, 31370276, 10712197, 31730495, 32642735, 30290804, 30877234, 29625052, 27535533, 31776437, 35456261)

Genome-Nilou Lab
Classification: Pathogenic for Neurofibromatosis, type 1. Last evaluated: 2022-03-15. Review status: criteria provided, single submitter. Criteria: ACMG Guidelines, 2015. Collection method: clinical testing. Allele origin: germline. Affected: no.

Dasa
Classification: Pathogenic for Neurofibromatosis, type 1. Last evaluated: 2022-01-05. Review status: criteria provided, single submitter. Criteria: ACMG Guidelines, 2015. Collection method: clinical testing. Allele origin: germline. Affected: yes. Observed: 1 variant allele.
Comment: The c.7285C>T;p.(Arg2429*) variant creates a premature translational stop signal in the NF1 gene. It is expected to result in an absent or disrupted protein product -PVS1. This sequence change has been observed in affected individual(s) and ClinVar contains an entry for this variant (ClinVar ID: 185789; PMID: 10712197; 16944272; 16835897; 25074460) - PS4. This variant is not present in population databases (rs786202457, gnomAD; ABraOM no frequency) - PM2. In summary, the currently available evidence indicates that the variant is pathogenic.

Genome Diagnostics Laboratory, The Hospital for Sick Children
Classification: Pathogenic for Neurofibromatosis, type 1. Last evaluated: 2020-10-26. Review status: criteria provided, single submitter. Criteria: ACMG Guidelines, 2015. Collection method: clinical testing. Allele origin: germline. Affected: yes.

Institute of Medical Genetics and Applied Genomics, University Hospital Tübingen
Classification: Pathogenic. Last evaluated: 2020-10-23. Review status: criteria provided, single submitter. Criteria: ACMG Guidelines, 2015. Collection method: clinical testing. Allele origin: germline. Inheritance: Autosomal dominant inheritance. Affected: yes.